The following is an entry in ClinVar:

ClinVar aggregate classification (germline): Uncertain significance. Review status: criteria provided, multiple submitters, no conflicts (2 of 4 stars). 2 submissions from 2 submitters: Uncertain significance (2). Last evaluated 2022-07-28.

Conditions:
Cardiovascular phenotype. Identifiers: MedGen CN230736.
Duchenne muscular dystrophy (DMD). Also called: MUSCULAR DYSTROPHY, PSEUDOHYPERTROPHIC PROGRESSIVE, DUCHENNE TYPE; Duchenne Muscular Dystrophy (DMD). Identifiers: Orphanet 98896, MedGen C0013264, MONDO:0010679, OMIM 310200.

gnomAD v4.1: 1 of 1,211,580 alleles (0.000083%); no homozygotes.

Submissions (2):

Ambry Genetics
Classification: Uncertain significance for Cardiovascular phenotype. Last evaluated: 2022-07-28. Review status: criteria provided, single submitter. Criteria: Ambry Variant Classification Scheme 2023. Collection method: clinical testing. Allele origin: germline.
Comment: The p.I139T variant (also known as c.416T>C), located in coding exon 6 of the DMD gene, results from a T to C substitution at nucleotide position 416. The isoleucine at codon 139 is replaced by threonine, an amino acid with similar properties. This amino acid position is highly conserved in available vertebrate species. In addition, this alteration is predicted to be deleterious by in silico analysis. Since supporting evidence is limited at this time, the clinical significance of this alteration remains unclear.

Labcorp Genetics (formerly Invitae), Labcorp
Classification: Uncertain significance for Duchenne muscular dystrophy. Last evaluated: 2021-09-24. Review status: criteria provided, single submitter. Criteria: Invitae Variant Classification Sherloc (09022015). Collection method: clinical testing. Allele origin: germline.
Comment: This sequence change replaces isoleucine with threonine at codon 139 of the DMD protein (p.Ile139Thr). The isoleucine residue is highly conserved and there is a moderate physicochemical difference between isoleucine and threonine. This variant is not present in population databases (ExAC no frequency). This variant has not been reported in the literature in individuals with DMD-related conditions. Algorithms developed to predict the effect of missense changes on protein structure and function are either unavailable or do not agree on the potential impact of this missense change (SIFT: "Tolerated"; PolyPhen-2: "Probably Damaging"; Align-GVGD: "Class C0"). In summary, the available evidence is currently insufficient to determine the role of this variant in disease. Therefore, it has been classified as a Variant of Uncertain Significance.

NM_004006.3(DMD):c.416T>C (p.Ile139Thr)

Gene: DMD (dystrophin; minus strand). Cytogenetic location: Xp21.1.
Variant type: single nucleotide variant.
Coding change: c.416T>C on transcript NM_004006.3 (MANE Select); coding-DNA position 416, T replaced by C.
Protein change: p.Ile139Thr; replaces isoleucine 139 with threonine.
Molecular consequence: missense variant.
Genome position (GRCh38, 1-based): chrX:32,816,582, A>G on the plus strand (T>C on the coding strand, the complement: DMD is on the minus strand). VCF-style: chrX-32816582-A-G. GRCh37 (hg19) VCF-style: chrX-32834699-A-G.
Other names: c.392T>C, p.Ile131Thr (NM_000109.4); c.404T>C, p.Ile135Thr (NM_004009.3); c.47T>C, p.Ile16Thr (NM_004010.3); short protein forms I135T, I16T, I131T, I139T.
Identifiers: ClinVar variation 1524647 (VCV001524647.7), dbSNP rs2148807220, ClinGen allele CA412674259.